The following is an entry in ClinVar:

ClinVar aggregate classification (germline): Uncertain significance (1 of 4 stars; one submission).

Submission:

GeneDx
Classification: Uncertain significance. Last evaluated: 2024-12-31. Review status: criteria provided, single submitter. Criteria: GeneDx Variant Classification Process June 2021. Collection method: clinical testing. Allele origin: germline. Affected: yes.
Comment: Not observed at significant frequency in large population cohorts (gnomAD); In silico analysis supports that this missense variant has a deleterious effect on protein structure/function; Has not been previously published as pathogenic or benign to our knowledge

NM_001134407.3(GRIN2A):c.371T>A (p.Ile124Asn)

Gene: GRIN2A (glutamate ionotropic receptor NMDA type subunit 2A; minus strand). Cytogenetic location: 16p13.2.
Variant type: single nucleotide variant.
Coding change: c.371T>A on transcript NM_001134407.3 (MANE Select); coding-DNA position 371, T replaced by A.
Protein change: p.Ile124Asn; replaces isoleucine 124 with asparagine.
Molecular consequence: missense variant.
Genome position (GRCh38, 1-based): chr16:10,180,041, A>T on the plus strand (T>A on the coding strand, the complement: GRIN2A is on the minus strand). VCF-style: chr16-10180041-A-T. GRCh37 (hg19) VCF-style: chr16-10273898-A-T.
Other names: c.371T>A, p.Ile124Asn (NM_000833.5, NM_001134408.2); short protein forms I124N.
Identifiers: ClinVar variation 4055850 (VCV004055850.1).
Genomic context (GRCh38, chr16:10,180,041, plus strand): 5'-TCAGTTTCCGGCCTTACCTTGTCAGCCATGATCATAGATGCGCCCCCATGAATGCCCAAG[A>T]TGGGGACGAAGGTGTGGGAGGAGATAAAATCCAGCATCTGGGCTACGGCCTCCTGGTCCG-3'
Protein context (NP_001127879.1, residues 114-134): DFISSHTFVP[Ile124Asn]LGIHGGASMI